The following is an entry in ClinVar:

ClinVar aggregate classification (germline): Uncertain significance (1 of 4 stars; one submission).

Conditions:
Hypertrophic cardiomyopathy. Also called: HYPERTROPHIC MYOCARDIOPATHY. Identifiers: Orphanet 217569, MedGen C0007194, MeSH D002312, MONDO:0005045, HP:0001639.

Allele frequency attached by ClinVar (database versions not stated): gnomAD exomes below 0.00001.
gnomAD v4.1: 1 of 1,553,358 alleles (0.000064%); highest among the groups gnomAD compares: Non-Finnish European, 0.000087%; no homozygotes.

Submission:

All of Us Research Program, National Institutes of Health
Classification: Uncertain significance for Hypertrophic cardiomyopathy. Last evaluated: 2023-06-08. Review status: criteria provided, single submitter. Criteria: ACMG Guidelines, 2015. Collection method: clinical testing. Allele origin: germline. Inheritance: Autosomal dominant inheritance. Observed: 1 variant allele, 1 heterozygote.
Comment: This missense variant replaces valine with alanine at codon 881 of the MYBPC3 protein. Computational prediction suggests that this variant may not impact protein structure and function (internally defined REVEL score threshold <= 0.5, PMID: 27666373). To our knowledge, functional studies have not been reported for this variant. This variant has not been reported in individuals affected with MYBPC3-related disorders in the literature. This variant has not been identified in the general population by the Genome Aggregation Database (gnomAD). The available evidence is insufficient to determine the role of this variant in disease conclusively. Therefore, this variant is classified as a Variant of Uncertain Significance.

This study involves interpretation of variants in research participants for the purpose of population health screening. Participant phenotype was not available at the time of variant classification. Additional details can be found in publication PMID: 35346344, PMCID: PMC8962531

NM_000256.3(MYBPC3):c.2642T>C (p.Val881Ala)

Gene: MYBPC3 (myosin binding protein C3; minus strand). Cytogenetic location: 11p11.2.
Variant type: single nucleotide variant.
Coding change: c.2642T>C on transcript NM_000256.3 (MANE Select); coding-DNA position 2642, T replaced by C.
Protein change: p.Val881Ala; replaces valine 881 with alanine.
Molecular consequence: missense variant.
Genome position (GRCh38, 1-based): chr11:47,335,972, A>G on the plus strand (T>C on the coding strand, the complement: MYBPC3 is on the minus strand). VCF-style: chr11-47335972-A-G. GRCh37 (hg19) VCF-style: chr11-47357523-A-G.
Other names: short protein forms V881A.
Identifiers: ClinVar variation 3071609 (VCV003071609.1), dbSNP rs2495746520, ClinGen allele CA380317389.